The following is an entry in ClinVar:

ClinVar aggregate classification (germline): Uncertain significance (1 of 4 stars; one submission).

Submission:

Labcorp Genetics (formerly Invitae), Labcorp
Classification: Uncertain significance. Last evaluated: 2022-03-26. Review status: criteria provided, single submitter. Criteria: Invitae Variant Classification Sherloc (09022015). Collection method: clinical testing. Allele origin: germline.
Comment: In summary, the available evidence is currently insufficient to determine the role of this variant in disease. Therefore, it has been classified as a Variant of Uncertain Significance. This variant has not been reported in the literature in individuals affected with TOE1-related conditions. This variant is present in population databases (rs748987175, gnomAD 0.004%). This variant, c.1213_1215dup, results in the insertion of 1 amino acid(s) of the TOE1 protein (p.Met405dup), but otherwise preserves the integrity of the reading frame.

NM_025077.4(TOE1):c.1213_1215dup (p.Met405_Gly406insMet)

Gene: TOE1 (target of EGR1, exonuclease; plus strand). Cytogenetic location: 1p34.1.
Variant type: Duplication.
Coding change: c.1213_1215dup on transcript NM_025077.4 (MANE Select); coding-DNA positions 1213 to 1215, 3 bases duplicated (ATG; older notation c.1213_1215dupATG).
Protein change: p.Met405_Gly406insMet.
Molecular consequence: inframe insertion.
Genome position (GRCh38, 1-based): chr1:45,343,382-45,343,384, ATG duplicated; duplicating any 3 consecutive bases within chr1:45,343,381-45,343,384 gives the same sequence; the c. name uses the placement nearest the transcript's 3' end. VCF-style (leftmost placement, unchanged base first): chr1-45343380-A-AGAT. GRCh37 (hg19) VCF-style: chr1-45809052-A-AGAT.
Identifiers: ClinVar variation 2187678 (VCV002187678.4), dbSNP rs748987175, ClinGen allele CA826800.